The following is an entry in ClinVar:

ClinVar aggregate classification (germline): Uncertain significance (1 of 4 stars; one submission).

Submission:

GeneDx
Classification: Uncertain significance. Last evaluated: 2019-09-19. Review status: criteria provided, single submitter. Criteria: GeneDx Variant Classification Process June 2021. Collection method: clinical testing. Allele origin: germline. Affected: yes.
Comment: Not observed in large population cohorts (Lek et al., 2016); In silico analysis, which includes protein predictors and evolutionary conservation, supports that this variant does not alter protein structure/function; Has not been previously published as pathogenic or benign to our knowledge

NM_001164508.2(NEB):c.3884G>A (p.Cys1295Tyr)

Gene: NEB (nebulin; minus strand). Cytogenetic location: 2q23.3.
Variant type: single nucleotide variant.
Coding change: c.3884G>A on transcript NM_001164508.2 (MANE Select); coding-DNA position 3884, G replaced by A.
Protein change: p.Cys1295Tyr; replaces cysteine 1295 with tyrosine.
Molecular consequence: missense variant.
Genome position (GRCh38, 1-based): chr2:151,674,580, C>T on the plus strand (G>A on the coding strand, the complement: NEB is on the minus strand). VCF-style: chr2-151674580-C-T. GRCh37 (hg19) VCF-style: chr2-152531094-C-T.
Other names: c.3884G>A, p.Cys1295Tyr (NM_001164507.2, NM_001271208.2, NM_004543.5); short protein forms C1295Y.
Identifiers: ClinVar variation 1312051 (VCV001312051.2), dbSNP rs2154198219, ClinGen allele CA348817834.